The following is an entry in ClinVar:

ClinVar aggregate classification (germline): Uncertain significance (1 of 4 stars; one submission).

Conditions:
Niemann-Pick disease, type A. Also called: SPHINGOMYELIN LIPIDOSIS; SPHINGOMYELINASE DEFICIENCY; Infantile Neurovisceral ASMD (Niemann-Pick Disease Type A; NPD-A). Identifiers: Orphanet 77292, MedGen C0268242, MONDO:0009756, OMIM 257200. Disease mechanism: loss of function.
Niemann-Pick disease, type B. Also called: Chronic Visceral ASMD (Niemann-Pick Disease Type B; NPD-B). Identifiers: Orphanet 77293, MedGen C0268243, MONDO:0011871, OMIM 607616. Disease mechanism: loss of function.

Submission:

Labcorp Genetics (formerly Invitae), Labcorp
Classification: Uncertain significance for Niemann-Pick disease, type B; Niemann-Pick disease, type A. Last evaluated: 2021-09-01. Review status: criteria provided, single submitter. Criteria: Invitae Variant Classification Sherloc (09022015). Collection method: clinical testing. Allele origin: germline.
Comment: This variant, c.120_143del, results in the deletion of 8 amino acid(s) of the SMPD1 protein (p.Ala42_Leu49del), but otherwise preserves the integrity of the reading frame. This variant is not present in population databases (ExAC no frequency). This variant has not been reported in the literature in individuals affected with SMPD1-related conditions. Experimental studies and prediction algorithms are not available or were not evaluated, and the functional significance of this variant is currently unknown. In summary, the available evidence is currently insufficient to determine the role of this variant in disease. Therefore, it has been classified as a Variant of Uncertain Significance.

NM_000543.5(SMPD1):c.108GCTGGC[2] (p.38AL[2])

Gene: SMPD1 (sphingomyelin phosphodiesterase 1; plus strand). Cytogenetic location: 11p15.4.
Variant type: Microsatellite.
Coding change: c.108GCTGGC[2] on transcript NM_000543.5 (MANE Select); two copies in a row of the 6-base unit GCTGGC starting at c.108; the reference has six copies in a row; four copies, 24 bases deleted.
Protein change: p.38AL[2].
Molecular consequence: inframe deletion. On other transcripts: 5 prime UTR variant (1), non-coding transcript variant (2).
Genome position (GRCh38, 1-based): chr11:6,390,718-6,390,741, GCTGGCGCTGGCGCTGGCGCTGGC deleted; deleting any 24 consecutive bases within chr11:6,390,706-6,390,741 gives the same sequence; the position shown is the placement nearest the transcript's 3' end. VCF-style (leftmost placement, unchanged base first): chr11-6390705-TGCTGGCGCTGGCGCTGGCGCTGGC-T. GRCh37 (hg19) VCF-style: chr11-6411935-TGCTGGCGCTGGCGCTGGCGCTGGC-T.
Other names: c.108GCTGGC[2], p.38AL[2] (NM_001007593.3, NM_001318087.2, NM_001365135.2); c.-854GCTGGC[2] (NM_001318088.2).
Identifiers: ClinVar variation 2077035 (VCV002077035.1), dbSNP rs3838786, ClinGen allele CA679149048.